The following is an entry in ClinVar:

NM_024675.4(PALB2):c.3481T>G (p.Phe1161Val)

Gene: PALB2 (partner and localizer of BRCA2; minus strand). Cytogenetic location: 16p12.2.
Variant type: single nucleotide variant.
Coding change: c.3481T>G on transcript NM_024675.4 (MANE Select); coding-DNA position 3481, T replaced by G.
Protein change: p.Phe1161Val; replaces phenylalanine 1161 with valine.
Molecular consequence: missense variant.
Genome position (GRCh38, 1-based): chr16:23,603,539, A>C on the plus strand (T>G on the coding strand, the complement: PALB2 is on the minus strand). VCF-style: chr16-23603539-A-C. GRCh37 (hg19) VCF-style: chr16-23614860-A-C.
Other names: short protein forms F1161V.
Identifiers: ClinVar variation 1415377 (VCV001415377.10), dbSNP rs2142252804, ClinGen allele CA395137977.

ClinVar aggregate classification (germline): Uncertain significance. Review status: criteria provided, multiple submitters, no conflicts (2 of 4 stars). 2 submissions from 2 submitters: Uncertain significance (2). Last evaluated 2025-02-05.

Conditions:
Hereditary cancer-predisposing syndrome. Also called: Hereditary Cancer Syndrome; Tumor predisposition; Hereditary neoplastic syndrome; Neoplastic Syndromes, Hereditary. Identifiers: Orphanet 140162, MedGen C0027672, MeSH D009386, MONDO:0015356.
Familial cancer of breast. Also called: BREAST CANCER, FAMILIAL; Hereditary breast cancer; hereditary breast carcinoma. Identifiers: Orphanet 227535, MedGen C0346153, MONDO:0016419, OMIM 114480. Disease mechanism: loss of function.

Submissions (2):

Ambry Genetics
Classification: Uncertain significance for Hereditary cancer-predisposing syndrome. Last evaluated: 2025-02-05. Review status: criteria provided, single submitter. Criteria: Ambry Variant Classification Scheme 2023. Collection method: clinical testing. Allele origin: germline.
Comment: The p.F1161V variant (also known as c.3481T>G), located in coding exon 13 of the PALB2 gene, results from a T to G substitution at nucleotide position 3481. The phenylalanine at codon 1161 is replaced by valine, an amino acid with highly similar properties. This amino acid position is well conserved in available vertebrate species. In addition, this alteration is predicted to be tolerated by in silico analysis. Since supporting evidence is limited at this time, the clinical significance of this alteration remains unclear.

Labcorp Genetics (formerly Invitae), Labcorp
Classification: Uncertain significance for Familial cancer of breast. Last evaluated: 2024-11-18. Review status: criteria provided, single submitter. Criteria: Invitae Variant Classification Sherloc (09022015). Collection method: clinical testing. Allele origin: germline.
Comment: This sequence change replaces phenylalanine, which is neutral and non-polar, with valine, which is neutral and non-polar, at codon 1161 of the PALB2 protein (p.Phe1161Val). This variant is not present in population databases (gnomAD no frequency). This variant has not been reported in the literature in individuals affected with PALB2-related conditions. ClinVar contains an entry for this variant (Variation ID: 1415377). An algorithm developed to predict the effect of missense changes on protein structure and function (PolyPhen-2) suggests that this variant is likely to be disruptive. In summary, the available evidence is currently insufficient to determine the role of this variant in disease. Therefore, it has been classified as a Variant of Uncertain Significance.